The following is an entry in ClinVar:

ClinVar aggregate classification (germline): Uncertain significance (1 of 4 stars; one submission).

Allele frequency attached by ClinVar (database versions not stated): gnomAD exomes below 0.00001.
gnomAD v4.1: 4 of 1,211,269 alleles (0.00033%); highest among the groups gnomAD compares: Admixed American, 0.0022%; no homozygotes.

Submission:

GeneDx
Classification: Uncertain significance. Last evaluated: 2023-01-24. Review status: criteria provided, single submitter. Criteria: GeneDx Variant Classification Process June 2021. Collection method: clinical testing. Allele origin: germline. Affected: yes.
Comment: Not observed at significant frequency in large population cohorts (gnomAD); In silico analysis supports that this missense variant has a deleterious effect on protein structure/function; Has not been previously published as pathogenic or benign to our knowledge

NM_001323289.2(CDKL5):c.1895G>A (p.Gly632Glu)

Gene: CDKL5 (cyclin dependent kinase like 5; plus strand). Cytogenetic location: Xp22.13.
Variant type: single nucleotide variant.
Coding change: c.1895G>A on transcript NM_001323289.2 (MANE Select); coding-DNA position 1895, G replaced by A.
Protein change: p.Gly632Glu; replaces glycine 632 with glutamic acid.
Molecular consequence: missense variant.
Genome position (GRCh38, 1-based): chrX:18,604,819, G>A. VCF-style: chrX-18604819-G-A. GRCh37 (hg19) VCF-style: chrX-18622939-G-A.
Other names: c.1895G>A, p.Gly632Glu (NM_001037343.2, NM_003159.3); short protein forms G632E.
Identifiers: ClinVar variation 2573891 (VCV002573891.1), dbSNP rs2518875692, ClinGen allele CA412363730.